The following is an entry in ClinVar:

NM_000834.5(GRIN2B):c.2141T>A (p.Val714Glu)

Gene: GRIN2B (glutamate ionotropic receptor NMDA type subunit 2B; minus strand). Cytogenetic location: 12p13.1.
Variant type: single nucleotide variant.
Coding change: c.2141T>A on transcript NM_000834.5 (MANE Select); coding-DNA position 2141, T replaced by A.
Protein change: p.Val714Glu; replaces valine 714 with glutamic acid.
Molecular consequence: missense variant.
Genome position (GRCh38, 1-based): chr12:13,571,834, A>T on the plus strand (T>A on the coding strand, the complement: GRIN2B is on the minus strand). VCF-style: chr12-13571834-A-T. GRCh37 (hg19) VCF-style: chr12-13724768-A-T.
Other names: c.2141T>A, p.Val714Glu (NM_001413992.1); short protein forms V714E.
Identifiers: ClinVar variation 3899881 (VCV003899881.1).

ClinVar aggregate classification (germline): Likely pathogenic (1 of 4 stars; one submission).

Conditions:
Autism spectrum disorder. Also called: Autism spectrum disorders. Identifiers: MedGen C1510586, MeSH D000067877, MONDO:0005258.

Submission:

Oasi Research Institute-IRCCS
Classification: Likely pathogenic for Autism spectrum disorder. Last evaluated: 2025-05-12. Review status: criteria provided, single submitter. Criteria: ACMG Guidelines, 2015. Collection method: clinical testing. Allele origin: de novo. Inheritance: Autosomal dominant inheritance. Affected: yes. Observed: 1 heterozygote.
Comment: This de novo variant was classified as Likley Pathogenic according to the ACMG criteria PM1, PM2, PS2 and PP3. The PhyloP score for the specific mutated nucleotide is 9.285, denoting a high conservation rate of this specific site. AlphaMissense described the variant as Pathogenic (score: 0.996). This missense mutation results in the replacement of valine with glutamic acid at the amino acid position 714, denoted as p.Val714Glu. The alteration is non-conservative, with valine being a hydrophobic amino acid and glutamic acid being a hydrophilic and negatively charged amino acid at physiological pH. The GRIN2B gene encodes the GluN2B subunit of the N-methyl-D-aspartate (NMDA) receptor, which is a type of ionotropic glutamate receptor.